The following is an entry in ClinVar:

NM_024422.6(DSC2):c.1858C>T (p.Gln620Ter)

Gene: DSC2 (desmocollin 2; minus strand). Cytogenetic location: 18q12.1.
Variant type: single nucleotide variant.
Coding change: c.1858C>T on transcript NM_024422.6 (MANE Select); coding-DNA position 1858, C replaced by T.
Protein change: p.Gln620Ter; replaces glutamine 620 with a stop codon.
Molecular consequence: nonsense.
Genome position (GRCh38, 1-based): chr18:31,074,713, G>A on the plus strand (C>T on the coding strand, the complement: DSC2 is on the minus strand). VCF-style: chr18-31074713-G-A. GRCh37 (hg19) VCF-style: chr18-28654679-G-A.
Other names: c.1858C>T, p.Gln620Ter (NM_004949.5); short protein forms Q620*.
Identifiers: ClinVar variation 1322771 (VCV001322771.10), dbSNP rs1986951516, ClinGen allele CA402113809.

ClinVar aggregate classification (germline): Pathogenic. Review status: criteria provided, multiple submitters, no conflicts (2 of 4 stars). 3 submissions from 3 submitters: Pathogenic (3). Last evaluated 2022-03-23.

Conditions:
Cardiovascular phenotype. Identifiers: MedGen CN230736.
Arrhythmogenic right ventricular dysplasia 11. Also called: Arrhythmogenic right ventricular dysplasia 11 with mild palmoplantar keratoderma and woolly hair; Arrhythmogenic Right Ventricular Dysplasia/Cardiomyopathy11; ARRHYTHMOGENIC RIGHT VENTRICULAR DYSPLASIA, FAMILIAL, 11. Identifiers: MedGen C1864850, MONDO:0012506, OMIM 610476.

Allele frequency attached by ClinVar (database versions not stated): TOPMed 0.00001.

Submissions (3):

Labcorp Genetics (formerly Invitae), Labcorp
Classification: Pathogenic for Arrhythmogenic right ventricular dysplasia 11. Last evaluated: 2022-03-23. Review status: criteria provided, single submitter. Criteria: Invitae Variant Classification Sherloc (09022015). Collection method: clinical testing. Allele origin: germline.
Comment: For these reasons, this variant has been classified as Pathogenic. ClinVar contains an entry for this variant (Variation ID: 1322771). This variant is not present in population databases (gnomAD no frequency). This sequence change creates a premature translational stop signal (p.Gln620*) in the DSC2 gene. It is expected to result in an absent or disrupted protein product. Loss-of-function variants in DSC2 are known to be pathogenic (PMID: 23911551). This variant has not been reported in the literature in individuals affected with DSC2-related conditions.

Revvity Omics, Revvity
Classification: Pathogenic for Arrhythmogenic right ventricular dysplasia 11. Last evaluated: 2019-11-05. Review status: criteria provided, single submitter. Criteria: ACMG Guidelines, 2015. Collection method: clinical testing. Allele origin: germline.

Ambry Genetics
Classification: Pathogenic for Cardiovascular phenotype. Last evaluated: 2019-04-02. Review status: criteria provided, single submitter. Criteria: Ambry Variant Classification Scheme 2023. Collection method: clinical testing. Allele origin: germline.
Comment: The p.Q620* pathogenic mutation (also known as c.1858C>T), located in coding exon 12 of the DSC2 gene, results from a C to T substitution at nucleotide position 1858. This changes the amino acid from a glutamine to a stop codon within coding exon 12. This alteration is expected to result in loss of function by premature protein truncation or nonsense-mediated mRNA decay. As such, this alteration is interpreted as a disease-causing mutation.

Literature cited by the submitters: PubMed 23911551 (cited by Labcorp Genetics (formerly Invitae), Labcorp).